The following is an entry in ClinVar:

NM_001267550.2(TTN):c.96960T>C (p.Ala32320=)

Genes: TTN (titin; minus strand), TTN-AS1 (TTN antisense RNA 1; plus strand). Cytogenetic location: 2q31.2.
Variant type: single nucleotide variant.
Coding change: c.96960T>C on transcript NM_001267550.2 (MANE Select); coding-DNA position 96960, T replaced by C.
Protein change: p.Ala32320=; no amino-acid change (alanine 32320 retained).
Molecular consequence: synonymous variant.
Genome position (GRCh38, 1-based): chr2:178,542,894, A>G on the plus strand (T>C on the coding strand, the complement: TTN is on the minus strand). VCF-style: chr2-178542894-A-G. GRCh37 (hg19) VCF-style: chr2-179407621-A-G.
Other names: c.92037T>C, p.Ala30679= (NM_001256850.1); c.89256T>C, p.Ala29752= (NM_133378.4); c.69765T>C, p.Ala23255= (NM_003319.4); c.70140T>C, p.Ala23380= (NM_133432.3); c.70341T>C, p.Ala23447= (NM_133437.4).
Identifiers: ClinVar variation 47575 (VCV000047575.47), dbSNP rs141431591, ClinGen allele CA141388.

ClinVar aggregate classification (germline): Benign/Likely benign. Review status: criteria provided, multiple submitters, no conflicts (2 of 4 stars). 11 submissions from 8 submitters: Benign (5); Likely benign (4). 2 of the submissions do not count toward it. Last evaluated 2025-11-11.

Conditions:
Cardiovascular phenotype. Identifiers: MedGen CN230736.
Dilated cardiomyopathy 1G (CMD1G). Identifiers: Orphanet 154, MedGen C1858763, MONDO:0011400, OMIM 604145.
Autosomal recessive limb-girdle muscular dystrophy type 2J (LGMDR10). Also called: Limb-girdle muscular dystrophy, type 2J; MUSCULAR DYSTROPHY, LIMB-GIRDLE, AUTOSOMAL RECESSIVE 10. Identifiers: Orphanet 140922, MedGen C1837342, MONDO:0012127, OMIM 608807.
Early-onset myopathy with fatal cardiomyopathy (CMYO5). Also called: Salih Myopathy; CONGENITAL MYOPATHY 5 WITH CARDIOMYOPATHY. Identifiers: Orphanet 289377, MedGen C2673677, MONDO:0012714, OMIM 611705. Disease mechanism: loss of function.
Myopathy, myofibrillar, 9, with early respiratory failure (MFM9). Also called: Hereditary myopathy with early respiratory failure; Myopathy, distal, with early respiratory failure, autosomal dominant; EDSTROM MYOPATHY; MYOPATHY, PROXIMAL, WITH EARLY RESPIRATORY MUSCLE INVOLVEMENT. Identifiers: Orphanet 178464, Orphanet 34521, MedGen C1863599, MONDO:0011362, OMIM 603689.
Tibial muscular dystrophy (TMD). Also called: Udd Distal Myopathy – Tibial Muscular Dystrophy; Tibial muscular dystrophy, tardive; UDD MYOPATHY. Identifiers: Orphanet 609, MedGen C1838244, MONDO:0010870, OMIM 600334.

Allele frequency attached by ClinVar (database versions not stated): gnomAD exomes 0.00001 and 0.00003; ExAC 0.00002; gnomAD 0.00003; TOPMed 0.00003; ESP Exome Variant Server 0.00008; 1000 Genomes Project 0.00020; 1000 Genomes Project 30x 0.00031.
gnomAD v4.1: 51 of 1,613,528 alleles (0.0032%); highest among the groups gnomAD compares: Non-Finnish European, 0.0037%; no homozygotes.

Submissions (11):

Labcorp Genetics (formerly Invitae), Labcorp
Classification: Likely benign for Dilated cardiomyopathy 1G; Autosomal recessive limb-girdle muscular dystrophy type 2J. Last evaluated: 2025-11-11. Review status: criteria provided, single submitter. Criteria: Invitae Variant Classification Sherloc (09022015). Collection method: clinical testing. Allele origin: germline.

CeGaT Center for Human Genetics Tuebingen
Classification: Likely benign. Last evaluated: 2023-09-01. Review status: criteria provided, single submitter. Criteria: CeGaT Center For Human Genetics Tuebingen Variant Classification Criteria Version 2. Collection method: clinical testing. Allele origin: germline. Affected: yes. Observed: 1 variant allele.
Comment: TTN: BP4, BP7

Genome-Nilou Lab
Classification: Benign for Autosomal recessive limb-girdle muscular dystrophy type 2J. Last evaluated: 2021-09-10. Review status: criteria provided, single submitter. Criteria: ACMG Guidelines, 2015. Collection method: clinical testing. Allele origin: germline. Affected: no.

Genome-Nilou Lab
Classification: Benign for Myopathy, myofibrillar, 9, with early respiratory failure. Last evaluated: 2021-09-10. Review status: criteria provided, single submitter. Criteria: ACMG Guidelines, 2015. Collection method: clinical testing. Allele origin: germline. Affected: no.

Genome-Nilou Lab
Classification: Benign for Early-onset myopathy with fatal cardiomyopathy. Last evaluated: 2021-09-10. Review status: criteria provided, single submitter. Criteria: ACMG Guidelines, 2015. Collection method: clinical testing. Allele origin: germline. Affected: no.

Genome-Nilou Lab
Classification: Benign for Tibial muscular dystrophy. Last evaluated: 2021-09-10. Review status: criteria provided, single submitter. Criteria: ACMG Guidelines, 2015. Collection method: clinical testing. Allele origin: germline. Affected: no.

Ambry Genetics
Classification: Likely benign for Cardiovascular phenotype. Last evaluated: 2020-12-02. Review status: criteria provided, single submitter. Criteria: Ambry Variant Classification Scheme 2023. Collection method: clinical testing. Allele origin: germline.

GeneDx
Classification: Benign. Last evaluated: 2017-01-04. Review status: criteria provided, single submitter. Criteria: GeneDx Variant Classification (06012015). Collection method: clinical testing. Allele origin: germline. Affected: yes.
Comment: This variant is considered likely benign or benign based on one or more of the following criteria: it is a conservative change, it occurs at a poorly conserved position in the protein, it is predicted to be benign by multiple in silico algorithms, and/or has population frequency not consistent with disease.

Laboratory for Molecular Medicine, Mass General Brigham Personalized Medicine
Classification: Likely benign. Last evaluated: 2012-05-10. Review status: criteria provided, single submitter. Criteria: LMM Criteria. Collection method: clinical testing. Allele origin: germline. Observed: 1 variant allele.
Comment: Ala29752Ala in exon 297 of TTN: This variant is not expected to have clinical si gnificance because it does not alter an amino acid residue and is not located wi thin the splice consensus sequence. It has been identified in 1/6706 European Am erican chromosomes from a broad population by the NHLBI Exome Sequencing Project (dbSNP rs141431591). Ala29752Ala in exon 297 of TTN (rs141431591; allele frequency = 1/6706) **

Clinical Genetics DNA and cytogenetics Diagnostics Lab, Erasmus MC, Erasmus Medical Center
Classification: Likely benign. Review status: no assertion criteria provided. Collection method: clinical testing. Allele origin: germline. Affected: yes. Study: VKGL Data-share Consensus. Not counted in ClinVar's aggregate classification.

Diagnostic Laboratory, Department of Genetics, University Medical Center Groningen
Classification: Likely benign. Review status: no assertion criteria provided. Collection method: clinical testing. Allele origin: germline. Affected: yes. Study: VKGL Data-share Consensus. Not counted in ClinVar's aggregate classification.